The following is an entry in ClinVar:

ClinVar aggregate classification (germline): Likely benign (1 of 4 stars; one submission).

gnomAD v4.1: 1 of 1,588,736 alleles (0.000063%); highest among the groups gnomAD compares: Admixed American, 0.0018%; no homozygotes.

Submission:

CeGaT Center for Human Genetics Tuebingen
Classification: Likely benign. Last evaluated: 2024-07-01. Review status: criteria provided, single submitter. Criteria: CeGaT Center For Human Genetics Tuebingen Variant Classification Criteria Version 2. Collection method: clinical testing. Allele origin: germline. Affected: yes. Observed: 1 variant allele.
Comment: NBEA: BP4, BP7

NM_001385012.1(NBEA):c.3996T>C (p.Pro1332=)

Gene: NBEA (neurobeachin; plus strand). Cytogenetic location: 13q13.3.
Variant type: single nucleotide variant.
Coding change: c.3996T>C on transcript NM_001385012.1 (MANE Select); coding-DNA position 3996, T replaced by C.
Protein change: p.Pro1332=; no amino-acid change (proline 1332 retained).
Molecular consequence: synonymous variant.
Genome position (GRCh38, 1-based): chr13:35,161,884, T>C. VCF-style: chr13-35161884-T-C. GRCh37 (hg19) VCF-style: chr13-35736021-T-C.
Other names: c.3996T>C, p.Pro1332= (NM_001379245.1, NM_015678.5).
Identifiers: ClinVar variation 3257220 (VCV003257220.17).